The following is an entry in ClinVar:

ClinVar aggregate classification (germline): Likely benign (1 of 4 stars; one submission).

Conditions:
PCNT-related disorder. Also called: PCNT-related condition.

gnomAD v4.1: 3 of 1,612,396 alleles (0.00019%); highest among the groups gnomAD compares: African/African-American, 0.004%; no homozygotes.

Submission:

PreventionGenetics, part of Exact Sciences
Classification: Likely benign for PCNT-related condition. Last evaluated: 2026-08-04. Review status: criteria provided, single submitter. Criteria: ACMG Guidelines, 2015. Collection method: clinical testing. Allele origin: germline.
Comment: This variant is classified as likely benign based on ACMG/AMP sequence variant interpretation guidelines (Richards et al. 2015 PMID: 25741868, with internal and published modifications).

NM_006031.6(PCNT):c.7552C>T (p.Leu2518=)

Gene: PCNT (pericentrin; plus strand). Cytogenetic location: 21q22.3.
Variant type: single nucleotide variant.
Coding change: c.7552C>T on transcript NM_006031.6 (MANE Select); coding-DNA position 7552, C replaced by T.
Protein change: p.Leu2518=; no amino-acid change (leucine 2518 retained).
Molecular consequence: synonymous variant.
Genome position (GRCh38, 1-based): chr21:46,428,452, C>T. VCF-style: chr21-46428452-C-T. GRCh37 (hg19) VCF-style: chr21-47848366-C-T.
Other names: c.7198C>T, p.Leu2400= (NM_001315529.2).
Identifiers: ClinVar variation 4981186 (VCV004981186.1).